The following is an entry in ClinVar:

NM_001173464.2(KIF21A):c.2684C>T (p.Pro895Leu)

Gene: KIF21A (kinesin family member 21A; minus strand). Cytogenetic location: 12q12.
Variant type: single nucleotide variant.
Coding change: c.2684C>T on transcript NM_001173464.2 (MANE Select); coding-DNA position 2684, C replaced by T.
Protein change: p.Pro895Leu; replaces proline 895 with leucine.
Molecular consequence: missense variant.
Genome position (GRCh38, 1-based): chr12:39,332,911, G>A on the plus strand (C>T on the coding strand, the complement: KIF21A is on the minus strand). VCF-style: chr12-39332911-G-A. GRCh37 (hg19) VCF-style: chr12-39726713-G-A.
Other names: c.2684C>T (NM_001173464.1); c.2645C>T, p.Pro882Leu (NM_001173463.2, NM_017641.4); c.2576C>T, p.Pro859Leu (NM_001173465.2); short protein forms P859L, P882L, P895L.
Identifiers: ClinVar variation 721362 (VCV000721362.10), dbSNP rs149718388, ClinGen allele CA6510734.

ClinVar aggregate classification (germline): Conflicting classifications of pathogenicity. Review status: criteria provided, conflicting classifications (1 of 4 stars). 4 submissions from 4 submitters: Uncertain significance (1); Benign (2). 1 of the submissions does not count toward it. Last evaluated 2024-05-15.

Conditions:
KIF21A-related disorder. Also called: KIF21A-related condition.
Inborn genetic diseases. Identifiers: MedGen C0950123, MeSH D030342.
Congenital fibrosis of extraocular muscles type 1. Also called: BLEPHAROPTOSIS WITH ABSENT EYE MOVEMENTS; FEOM1 LOCUS; CFEOM3B; OPHTHALMOPLEGIA, CONGENITAL. Identifiers: MedGen C1851102, MONDO:0021083, OMIM 135700.

Allele frequency attached by ClinVar (database versions not stated): gnomAD 0.00052 and 0.00039; 1000 Genomes Project 0.00120; 1000 Genomes Project 30x 0.00172; ExAC 0.00084; gnomAD exomes 0.00076 and 0.00050; TOPMed 0.00039; ESP Exome Variant Server 0.00069.
gnomAD v4.1: 815 of 1,613,736 alleles (0.051%); highest among the groups gnomAD compares: South Asian, 0.38%; 5 homozygotes.

Submissions (4):

Ambry Genetics
Classification: Uncertain significance for Inborn genetic diseases. Last evaluated: 2024-05-15. Review status: criteria provided, single submitter. Criteria: Ambry Variant Classification Scheme 2023. Collection method: clinical testing. Allele origin: germline.

Labcorp Genetics (formerly Invitae), Labcorp
Classification: Benign. Last evaluated: 2018-12-31. Review status: criteria provided, single submitter. Criteria: Invitae Variant Classification Sherloc (09022015). Collection method: clinical testing. Allele origin: germline.

Illumina Laboratory Services, Illumina
Classification: Benign for Congenital fibrosis of extraocular muscles type 1. Last evaluated: 2018-01-12. Review status: criteria provided, single submitter. Criteria: ICSL Variant Classification Criteria 13 December 2019. Collection method: clinical testing. Allele origin: germline.
Comment: This variant was observed in the ICSL laboratory as part of a predisposition screen in an ostensibly healthy population. It had not been previously curated by ICSL or reported in the Human Gene Mutation Database (HGMD: prior to June 1st, 2018), and was therefore a candidate for classification through an automated scoring system. Utilizing variant allele frequency, disease prevalence and penetrance estimates, and inheritance mode, an automated score was calculated to assess if this variant is too frequent to cause the disease. Based on the score and internal cut-off values, a variant classified as benign is not then subjected to further curation. The score for this variant resulted in a classification of benign for this disease.

PreventionGenetics, part of Exact Sciences
Classification: Likely benign for KIF21A-related condition. Last evaluated: 2021-08-16. Review status: no assertion criteria provided. Collection method: clinical testing. Allele origin: germline. Not counted in ClinVar's aggregate classification.
Comment: This variant is classified as likely benign based on ACMG/AMP sequence variant interpretation guidelines (Richards et al. 2015 PMID: 25741868, with internal and published modifications).